The following is an entry in ClinVar:

NM_002381.5(MATN3):c.132C>T (p.Pro44=)

Gene: MATN3 (matrilin 3; minus strand). Cytogenetic location: 2p24.1.
Variant type: single nucleotide variant.
Coding change: c.132C>T on transcript NM_002381.5 (MANE Select); coding-DNA position 132, C replaced by T.
Protein change: p.Pro44=; no amino-acid change (proline 44 retained).
Molecular consequence: synonymous variant.
Genome position (GRCh38, 1-based): chr2:20,012,500, G>A on the plus strand (C>T on the coding strand, the complement: MATN3 is on the minus strand). VCF-style: chr2-20012500-G-A. GRCh37 (hg19) VCF-style: chr2-20212261-G-A.
Identifiers: ClinVar variation 287725 (VCV000287725.14), dbSNP rs886043710, ClinGen allele CA10605851.

ClinVar aggregate classification (germline): Conflicting classifications of pathogenicity. Review status: criteria provided, conflicting classifications (1 of 4 stars). 3 submissions from 3 submitters: Uncertain significance (1); Likely benign (2). Last evaluated 2026-04-01.

Allele frequency attached by ClinVar (database versions not stated): TOPMed 0.00001.
gnomAD v4.1: 10 of 1,228,550 alleles (0.00081%); highest among the groups gnomAD compares: Middle Eastern, 0.031%; no homozygotes.

Submissions (3):

CeGaT Center for Human Genetics Tuebingen
Classification: Likely benign. Last evaluated: 2026-04-01. Review status: criteria provided, single submitter. Criteria: CeGaT Center For Human Genetics Tuebingen Variant Classification Criteria Version 2. Collection method: clinical testing. Allele origin: germline. Affected: yes. Observed: 1 variant allele.
Comment: MATN3: BP4, BP7

Labcorp Genetics (formerly Invitae), Labcorp
Classification: Likely benign. Last evaluated: 2024-08-13. Review status: criteria provided, single submitter. Criteria: Invitae Variant Classification Sherloc (09022015). Collection method: clinical testing. Allele origin: germline.

Eurofins Ntd Llc (ga)
Classification: Uncertain significance. Last evaluated: 2016-05-20. Review status: criteria provided, single submitter. Criteria: EGL Classification Definitions 2015. Collection method: clinical testing. Allele origin: germline. Observed: 1 variant allele, 1 heterozygote.